The following is an entry in ClinVar:

ClinVar aggregate classification (germline): Uncertain significance (1 of 4 stars; one submission).

Submission:

GeneDx
Classification: Uncertain significance. Last evaluated: 2022-04-25. Review status: criteria provided, single submitter. Criteria: GeneDx Variant Classification Process June 2021. Collection method: clinical testing. Allele origin: germline. Affected: yes.
Comment: Not observed at significant frequency in large population cohorts (gnomAD); In silico analysis supports that this missense variant has a deleterious effect on protein structure/function; This variant is associated with the following publications: (PMID: 26846766)

NM_020433.5(JPH2):c.1013A>G (p.Glu338Gly)

Gene: JPH2 (junctophilin 2; minus strand). Cytogenetic location: 20q13.12.
Variant type: single nucleotide variant.
Coding change: c.1013A>G on transcript NM_020433.5 (MANE Select); coding-DNA position 1013, A replaced by G.
Protein change: p.Glu338Gly; replaces glutamic acid 338 with glycine.
Molecular consequence: missense variant.
Genome position (GRCh38, 1-based): chr20:44,159,774, T>C on the plus strand (A>G on the coding strand, the complement: JPH2 is on the minus strand). VCF-style: chr20-44159774-T-C. GRCh37 (hg19) VCF-style: chr20-42788414-T-C.
Other names: short protein forms E338G.
Identifiers: ClinVar variation 1712913 (VCV001712913.2), dbSNP rs2515744303, ClinGen allele CA409093191.